The following is an entry in ClinVar:

NM_018474.6(KIZ):c.1860T>A (p.Ser620Arg)

Gene: KIZ (kizuna centrosomal protein; plus strand). Cytogenetic location: 20p11.23.
Variant type: single nucleotide variant.
Coding change: c.1860T>A on transcript NM_018474.6 (MANE Select); coding-DNA position 1860, T replaced by A.
Protein change: p.Ser620Arg; replaces serine 620 with arginine.
Molecular consequence: missense variant.
Genome position (GRCh38, 1-based): chr20:21,232,810, T>A. VCF-style: chr20-21232810-T-A. GRCh37 (hg19) VCF-style: chr20-21213448-T-A.
Other names: c.1551T>A, p.Ser517Arg (NM_001163022.3); c.1461T>A, p.Ser487Arg (NM_001163023.3); c.1713T>A, p.Ser571Arg (NM_001276389.2); c.1806T>A, p.Ser602Arg (NM_001352434.2); c.1497T>A, p.Ser499Arg (NM_001352435.2); c.1518T>A, p.Ser506Arg (NM_001352436.2); short protein forms S517R, S571R, S506R, S602R, S499R, S487R, S620R.
Identifiers: ClinVar variation 1376032 (VCV001376032.6), dbSNP rs773959105, ClinGen allele CA9785003.

ClinVar aggregate classification (germline): Uncertain significance (1 of 4 stars; one submission).

Allele frequency attached by ClinVar (database versions not stated): gnomAD exomes below 0.00001; ExAC 0.00002.
gnomAD v4.1: 1 of 1,550,650 alleles (0.000064%); highest among the groups gnomAD compares: Admixed American, 0.0018%; no homozygotes.

Submission:

Labcorp Genetics (formerly Invitae), Labcorp
Classification: Uncertain significance. Last evaluated: 2021-08-18. Review status: criteria provided, single submitter. Criteria: Invitae Variant Classification Sherloc (09022015). Collection method: clinical testing. Allele origin: germline.
Comment: Experimental studies and prediction algorithms are not available or were not evaluated, and the functional significance of this variant is currently unknown. In summary, the available evidence is currently insufficient to determine the role of this variant in disease. Therefore, it has been classified as a Variant of Uncertain Significance. This variant has not been reported in the literature in individuals affected with KIZ-related conditions. This variant is present in population databases (rs773959105, ExAC 0.05%). This sequence change replaces serine with arginine at codon 620 of the KIZ protein (p.Ser620Arg).